The following is an entry in ClinVar:

NM_000059.4(BRCA2):c.7178_7179del (p.Met2393fs)

Gene: BRCA2 (BRCA2 DNA repair associated; plus strand). Cytogenetic location: 13q13.1.
Variant type: Deletion.
Coding change: c.7178_7179del on transcript NM_000059.4 (MANE Select); coding-DNA positions 7178 to 7179, 2 bases deleted (TG; older notation c.7178_7179delTG).
Protein change: p.Met2393fs; shifts the reading frame from methionine 2393.
Molecular consequence: frameshift variant.
Genome position (GRCh38, 1-based): chr13:32,355,031-32,355,032, TG deleted. VCF-style (leftmost placement, unchanged base first): chr13-32355030-ATG-A. GRCh37 (hg19) VCF-style: chr13-32929167-ATG-A.
Other names: short protein forms M2393fs.
Identifiers: ClinVar variation 3379251 (VCV003379251.1).
Genomic context (GRCh38, chr13:32,355,030, plus strand): 5'-AGCAATTTAGCAGTTTCAGGACATCCATTTTATCAAGTTTCTGCTACAAGAAATGAAAAA[ATG>A]AGACACTTGATTACTACAGGCAGACCAACCAAAGTCTTTGTTCCACCTTTTAAAACTAAA-3'

ClinVar aggregate classification (germline): Pathogenic (1 of 4 stars; one submission).

Conditions:
Breast-ovarian cancer, familial, susceptibility to, 2 (BROVCA2). Also called: BRCA2 Hereditary Breast and Ovarian Cancer. Identifiers: Orphanet 145, MedGen C2675520, MONDO:0012933, OMIM 612555. Disease mechanism: loss of function.

Submission:

Myriad Genetics, Inc.
Classification: Pathogenic for Breast-ovarian cancer, familial, susceptibility to, 2. Last evaluated: 2024-07-22. Review status: criteria provided, single submitter. Criteria: Myriad Autosomal Dominant, Autosomal Recessive and X-Linked Classification Criteria (2023). Collection method: clinical testing. Allele origin: unknown.
Comment: This variant is considered pathogenic. This variant creates a frameshift predicted to result in premature protein truncation.